The following is an entry in ClinVar:

ClinVar aggregate classification (germline): Likely benign (1 of 4 stars; one submission).

Submission:

GeneDx
Classification: Likely benign. Last evaluated: 2017-08-07. Review status: criteria provided, single submitter. Criteria: GeneDx Variant Classification (06012015). Collection method: clinical testing. Allele origin: germline. Affected: yes.
Comment: This variant is considered likely benign or benign based on one or more of the following criteria: it is a conservative change, it occurs at a poorly conserved position in the protein, it is predicted to be benign by multiple in silico algorithms, and/or has population frequency not consistent with disease.

NM_012062.5(DNM1L):c.1597-19del

Gene: DNM1L (dynamin 1 like; plus strand). Cytogenetic location: 12p11.21.
Variant type: Deletion.
Coding change: c.1597-19del on transcript NM_012062.5 (MANE Select); 19 bases into the intron before coding-DNA position 1597, one base deleted (C; older notation c.1597-19delC).
Molecular consequence: intron variant.
Genome position (GRCh38, 1-based): chr12:32,737,846, C deleted; the last of 6 consecutive C bases (chr12:32,737,841-32,737,846); deleting any one gives the same sequence. VCF-style (leftmost placement, unchanged base first): chr12-32737840-TC-T. GRCh37 (hg19) VCF-style: chr12-32890774-TC-T.
Other names: c.1597-19delC (NM_012062.3); c.1636-19del (NM_001278464.2, NM_001278465.2); c.1635+685del (NM_001330380.2); c.988-19del (NM_001278466.2); c.1597-19del (NM_001278463.2); c.1597-418del (NM_012063.4); c.1596+685del (NM_005690.5).
Identifiers: ClinVar variation 510975 (VCV000510975.1), dbSNP rs749576486, ClinGen allele CA6507616.